The following is an entry in ClinVar:

NM_033305.3(VPS13A):c.4906G>A (p.Gly1636Ser)

Gene: VPS13A (vacuolar protein sorting 13 homolog A; plus strand). Cytogenetic location: 9q21.2.
Variant type: single nucleotide variant.
Coding change: c.4906G>A on transcript NM_033305.3 (MANE Select); coding-DNA position 4906, G replaced by A.
Protein change: p.Gly1636Ser; replaces glycine 1636 with serine.
Molecular consequence: missense variant.
Genome position (GRCh38, 1-based): chr9:77,317,648, G>A. VCF-style: chr9-77317648-G-A. GRCh37 (hg19) VCF-style: chr9-79932564-G-A.
Other names: c.4789G>A, p.Gly1597Ser (NM_001018037.2); c.4906G>A, p.Gly1636Ser (NM_001018038.3, NM_015186.4); short protein forms G1597S, G1636S.
Identifiers: ClinVar variation 1983882 (VCV001983882.2), dbSNP rs1829477909, ClinGen allele CA373858403.

ClinVar aggregate classification (germline): Uncertain significance (1 of 4 stars; one submission).

Allele frequency attached by ClinVar (database versions not stated): gnomAD exomes below 0.00001.
gnomAD v4.1: 1 of 1,602,372 alleles (0.000062%); highest among the groups gnomAD compares: African/African-American, 0.0013%; no homozygotes.

Submission:

Labcorp Genetics (formerly Invitae), Labcorp
Classification: Uncertain significance. Last evaluated: 2022-09-09. Review status: criteria provided, single submitter. Criteria: Invitae Variant Classification Sherloc (09022015). Collection method: clinical testing. Allele origin: germline.
Comment: In summary, the available evidence is currently insufficient to determine the role of this variant in disease. Therefore, it has been classified as a Variant of Uncertain Significance. Advanced modeling of protein sequence and biophysical properties (such as structural, functional, and spatial information, amino acid conservation, physicochemical variation, residue mobility, and thermodynamic stability) performed at Invitae indicates that this missense variant is not expected to disrupt VPS13A protein function. This variant has not been reported in the literature in individuals affected with VPS13A-related conditions. This variant is not present in population databases (gnomAD no frequency). This sequence change replaces glycine, which is neutral and non-polar, with serine, which is neutral and polar, at codon 1636 of the VPS13A protein (p.Gly1636Ser).